The following is an entry in ClinVar:

NM_001184900.3(CARD8):c.853G>T (p.Glu285Ter)

Gene: CARD8 (caspase recruitment domain family member 8; minus strand). Cytogenetic location: 19q13.33.
Variant type: single nucleotide variant.
Coding change: c.853G>T on transcript NM_001184900.3 (MANE Select); coding-DNA position 853, G replaced by T.
Protein change: p.Glu285Ter; replaces glutamic acid 285 with a stop codon.
Molecular consequence: nonsense. On other transcripts: non-coding transcript variant (4).
Genome position (GRCh38, 1-based): chr19:48,230,620, C>A on the plus strand (G>T on the coding strand, the complement: CARD8 is on the minus strand). VCF-style: chr19-48230620-C-A. GRCh37 (hg19) VCF-style: chr19-48733877-C-A.
Other names: c.703G>T, p.Glu235Ter (NM_001184901.1, NM_001351783.2, NM_001351788.2 and 2 more transcripts); c.853G>T, p.Glu285Ter (NM_001184902.2, NM_001184903.1, NM_001351782.2); c.538G>T, p.Glu180Ter (NM_001351784.2, NM_001351787.2, NM_001351791.2 and 1 more transcripts); c.517G>T, p.Glu173Ter (NM_001351786.2); c.610G>T, p.Glu204Ter (NM_001351790.2); c.535G>T, p.Glu179Ter (NM_001365950.1); short protein forms E204*, E179*, E235*, E285*, E173*, E180*.
Identifiers: ClinVar variation 1516002 (VCV001516002.2), dbSNP rs2146193028, ClinGen allele CA406643989.

ClinVar aggregate classification (germline): Uncertain significance. Review status: criteria provided, multiple submitters, no conflicts (2 of 4 stars). 2 submissions from 2 submitters: Uncertain significance (2). Last evaluated 2023-01-13.

Conditions:
Inflammatory bowel disease 30. Also called: INFLAMMATORY BOWEL DISEASE (CROHN DISEASE) 30. Identifiers: MedGen C5436750, MONDO:0033643, OMIM 619079.

Submissions (2):

Laboratorio de Genetica e Diagnostico Molecular, Hospital Israelita Albert Einstein
Classification: Uncertain significance for Inflammatory bowel disease 30. Last evaluated: 2023-01-13. Review status: criteria provided, single submitter. Criteria: ACMG Guidelines, 2015. Collection method: clinical testing. Allele origin: germline. Affected: yes. Observed: 1 variant allele.
Comment: ACMG classification criteria: PM2 moderated

Labcorp Genetics (formerly Invitae), Labcorp
Classification: Uncertain significance. Last evaluated: 2021-01-11. Review status: criteria provided, single submitter. Criteria: Invitae Variant Classification Sherloc (09022015). Collection method: clinical testing. Allele origin: germline.
Comment: This sequence change creates a premature translational stop signal (p.Glu235*) in the CARD8 gene. It is expected to result in an absent or disrupted protein product. However, the current clinical and genetic evidence is not sufficient to establish whether loss-of-function variants in CARD8 cause disease. This variant is not present in population databases (ExAC no frequency). This variant has not been reported in the literature in individuals with CARD8-related conditions. In summary, the available evidence is currently insufficient to determine the role of this variant in disease. Therefore, it has been classified as a Variant of Uncertain Significance.